The following is an entry in ClinVar:

ClinVar aggregate classification (germline): Pathogenic (1 of 4 stars; one submission).

Submission:

Labcorp Genetics (formerly Invitae), Labcorp
Classification: Pathogenic. Last evaluated: 2025-12-21. Review status: criteria provided, single submitter. Criteria: Invitae Variant Classification Sherloc (09022015). Collection method: clinical testing. Allele origin: germline.
Comment: This sequence change creates a premature translational stop signal (p.Asp108Valfs*29) in the C7 gene. It is expected to result in an absent or disrupted protein product. Loss-of-function variants in C7 are known to be pathogenic (PMID: 9856499, 17407100). This variant is present in population databases (rs773126382, gnomAD 0.003%). This variant has not been reported in the literature in individuals affected with C7-related conditions. For these reasons, this variant has been classified as Pathogenic.

Literature cited by the submitters: PubMed 9856499; PubMed 17407100.

NM_000587.4(C7):c.323_326del (p.Asp108fs)

Gene: C7 (complement C7; plus strand). Cytogenetic location: 5p13.1.
Variant type: Deletion.
Coding change: c.323_326del on transcript NM_000587.4 (MANE Select); coding-DNA positions 323 to 326, 4 bases deleted (ACTG; older notation c.323_326delACTG).
Protein change: p.Asp108fs; shifts the reading frame from aspartic acid 108.
Molecular consequence: frameshift variant.
Genome position (GRCh38, 1-based): chr5:40,936,380-40,936,383, ACTG deleted; deleting any 4 consecutive bases within chr5:40,936,377-40,936,383 gives the same sequence; the c. name uses the placement nearest the transcript's 3' end. VCF-style (leftmost placement, unchanged base first): chr5-40936376-TCTGA-T. GRCh37 (hg19) VCF-style: chr5-40936478-TCTGA-T.
Other names: short protein forms D108fs.
Identifiers: ClinVar variation 4695650 (VCV004695650.1).